The following is an entry in ClinVar:

ClinVar aggregate classification (germline): Uncertain significance (1 of 4 stars; one submission).

gnomAD v4.1: 1 of 1,614,020 alleles (0.000062%); highest among the groups gnomAD compares: Non-Finnish European, 0.000085%; no homozygotes.

Submission:

Labcorp Genetics (formerly Invitae), Labcorp
Classification: Uncertain significance. Last evaluated: 2024-08-12. Review status: criteria provided, single submitter. Criteria: Invitae Variant Classification Sherloc (09022015). Collection method: clinical testing. Allele origin: germline.
Comment: This sequence change replaces arginine, which is basic and polar, with leucine, which is neutral and non-polar, at codon 901 of the AUTS2 protein (p.Arg901Leu). This variant is not present in population databases (gnomAD no frequency). This variant has not been reported in the literature in individuals affected with AUTS2-related conditions. ClinVar contains an entry for this variant (Variation ID: 1915465). Advanced modeling of protein sequence and biophysical properties (such as structural, functional, and spatial information, amino acid conservation, physicochemical variation, residue mobility, and thermodynamic stability) performed at Invitae indicates that this missense variant is not expected to disrupt AUTS2 protein function with a negative predictive value of 80%. In summary, the available evidence is currently insufficient to determine the role of this variant in disease. Therefore, it has been classified as a Variant of Uncertain Significance.

NM_015570.4(AUTS2):c.2702G>T (p.Arg901Leu)

Gene: AUTS2 (activator of transcription and developmental regulator AUTS2; plus strand). Cytogenetic location: 7q11.22.
Variant type: single nucleotide variant.
Coding change: c.2702G>T on transcript NM_015570.4 (MANE Select); coding-DNA position 2702, G replaced by T.
Protein change: p.Arg901Leu; replaces arginine 901 with leucine.
Molecular consequence: missense variant.
Genome position (GRCh38, 1-based): chr7:70,789,918, G>T. VCF-style: chr7-70789918-G-T. GRCh37 (hg19) VCF-style: chr7-70254904-G-T.
Other names: c.2630G>T, p.Arg877Leu (NM_001127231.3); short protein forms R877L, R901L.
Identifiers: ClinVar variation 1915465 (VCV001915465.5), dbSNP rs138775036, ClinGen allele CA160015337.